The following is an entry in ClinVar:

NM_001134673.4(NFIA):c.1255-10_1255-9insG

Gene: NFIA (nuclear factor I A; plus strand). Cytogenetic location: 1p31.3.
Variant type: Insertion.
Coding change: c.1255-10_1255-9insG on transcript NM_001134673.4 (MANE Select); 10 bases into the intron before coding-DNA position 1255 through 9 bases into the intron before coding-DNA position 1255, G inserted.
Molecular consequence: intron variant.
Genome position: GRCh38 VCF-style: chr1-61406552-C-CG. GRCh37 (hg19) VCF-style: chr1-61872224-C-CG.
Other names: c.1231-10_1231-9insG (NM_001145511.2); c.1390-10_1390-9insG (NM_001145512.2); c.1255-10_1255-9insG (NM_005595.5).
Identifiers: ClinVar variation 1288589 (VCV001288589.1), dbSNP rs780565809, ClinGen allele CA881228.

ClinVar aggregate classification (germline): Benign (1 of 4 stars; one submission).

Submission:

GeneDx
Classification: Benign. Last evaluated: 2020-03-13. Review status: criteria provided, single submitter. Criteria: GeneDx Variant Classification Process June 2021. Collection method: clinical testing. Allele origin: germline. Affected: yes.
Comment: In-silico analysis, which includes splice predictors and evolutionary conservation, is inconclusive as to whether the variant alters gene splicing. In the absence of RNA/functional studies, the actual effect of this sequence change is unknown.